The following is an entry in ClinVar:

ClinVar aggregate classification (germline): Uncertain significance (1 of 4 stars; one submission).

Submission:

Labcorp Genetics (formerly Invitae), Labcorp
Classification: Uncertain significance. Last evaluated: 2022-03-10. Review status: criteria provided, single submitter. Criteria: Invitae Variant Classification Sherloc (09022015). Collection method: clinical testing. Allele origin: germline.
Comment: This sequence change replaces cysteine, which is neutral and slightly polar, with arginine, which is basic and polar, at codon 2108 of the OTOG protein (p.Cys2108Arg). This variant is not present in population databases (gnomAD no frequency). This variant has not been reported in the literature in individuals affected with OTOG-related conditions. Algorithms developed to predict the effect of missense changes on protein structure and function (SIFT, PolyPhen-2, Align-GVGD) all suggest that this variant is likely to be disruptive. In summary, the available evidence is currently insufficient to determine the role of this variant in disease. Therefore, it has been classified as a Variant of Uncertain Significance.

NM_001292063.2(OTOG):c.6286T>C (p.Cys2096Arg)

Gene: OTOG (otogelin; plus strand). Cytogenetic location: 11p15.1.
Variant type: single nucleotide variant.
Coding change: c.6286T>C on transcript NM_001292063.2 (MANE Select); coding-DNA position 6286, T replaced by C.
Protein change: p.Cys2096Arg; replaces cysteine 2096 with arginine.
Molecular consequence: missense variant.
Genome position (GRCh38, 1-based): chr11:17,612,324, T>C. VCF-style: chr11-17612324-T-C. GRCh37 (hg19) VCF-style: chr11-17633871-T-C.
Other names: c.6322T>C, p.Cys2108Arg (NM_001277269.2); short protein forms C2108R, C2096R.
Identifiers: ClinVar variation 1523968 (VCV001523968.5), dbSNP rs1424850080, ClinGen allele CA379804046.